The following is an entry in ClinVar:

ClinVar aggregate classification (germline): Uncertain significance (1 of 4 stars; one submission).

Allele frequency attached by ClinVar (database versions not stated): gnomAD exomes below 0.00001; gnomAD 0.00002; TOPMed 0.00002.

Submission:

Labcorp Genetics (formerly Invitae), Labcorp
Classification: Uncertain significance. Last evaluated: 2025-12-11. Review status: criteria provided, single submitter. Criteria: Invitae Variant Classification Sherloc (09022015). Collection method: clinical testing. Allele origin: germline.
Comment: This sequence change replaces methionine, which is neutral and non-polar, with isoleucine, which is neutral and non-polar, at codon 554 of the COL9A2 protein (p.Met554Ile). This variant is present in population databases (no rsID available, gnomAD 0.01%). This variant has not been reported in the literature in individuals affected with COL9A2-related conditions. ClinVar contains an entry for this variant (Variation ID: 1906085). Invitae Evidence Modeling of protein sequence and biophysical properties (such as structural, functional, and spatial information, amino acid conservation, physicochemical variation, residue mobility, and thermodynamic stability) indicates that this missense variant is not expected to disrupt COL9A2 protein function with a negative predictive value of 95%. In summary, the available evidence is currently insufficient to determine the role of this variant in disease. Therefore, it has been classified as a Variant of Uncertain Significance.

NM_001852.4(COL9A2):c.1662G>C (p.Met554Ile)

Gene: COL9A2 (collagen type IX alpha 2 chain; minus strand). Cytogenetic location: 1p34.2.
Variant type: single nucleotide variant.
Coding change: c.1662G>C on transcript NM_001852.4 (MANE Select); coding-DNA position 1662, G replaced by C.
Protein change: p.Met554Ile; replaces methionine 554 with isoleucine.
Molecular consequence: missense variant.
Genome position (GRCh38, 1-based): chr1:40,302,751, C>G on the plus strand (G>C on the coding strand, the complement: COL9A2 is on the minus strand). VCF-style: chr1-40302751-C-G. GRCh37 (hg19) VCF-style: chr1-40768423-C-G.
Other names: short protein forms M554I.
Identifiers: ClinVar variation 1906085 (VCV001906085.5), dbSNP rs951558480, ClinGen allele CA21041189.